The following is an entry in ClinVar:

NM_144670.6(A2ML1):c.1198C>T (p.Pro400Ser)

Gene: A2ML1 (alpha-2-macroglobulin like 1; plus strand). Cytogenetic location: 12p13.31.
Variant type: single nucleotide variant.
Coding change: c.1198C>T on transcript NM_144670.6 (MANE Select); coding-DNA position 1198, C replaced by T.
Protein change: p.Pro400Ser; replaces proline 400 with serine.
Molecular consequence: missense variant.
Genome position (GRCh38, 1-based): chr12:8,841,486, C>T. VCF-style: chr12-8841486-C-T. GRCh37 (hg19) VCF-style: chr12-8994082-C-T.
Other names: c.1198C>T (NM_144670.3); short protein forms P400S.
Identifiers: ClinVar variation 1435632 (VCV001435632.7), dbSNP rs2136803734, ClinGen allele CA383824706.

ClinVar aggregate classification (germline): Uncertain significance. Review status: criteria provided, multiple submitters, no conflicts (2 of 4 stars). 2 submissions from 2 submitters: Uncertain significance (2). Last evaluated 2024-02-25.

Allele frequency attached by ClinVar (database versions not stated): gnomAD exomes below 0.00001.

Submissions (2):

Ambry Genetics
Classification: Uncertain significance. Last evaluated: 2024-02-25. Review status: criteria provided, single submitter. Criteria: Ambry Variant Classification Scheme 2023. Collection method: clinical testing. Allele origin: germline.
Comment: The p.P400S variant (also known as c.1198C>T), located in coding exon 11 of the A2ML1 gene, results from a C to T substitution at nucleotide position 1198. The proline at codon 400 is replaced by serine, an amino acid with similar properties. This amino acid position is conserved. In addition, this alteration is predicted to be tolerated by in silico analysis. Based on the available evidence, the clinical significance of this alteration remains unclear.

Labcorp Genetics (formerly Invitae), Labcorp
Classification: Uncertain significance. Last evaluated: 2023-08-11. Review status: criteria provided, single submitter. Criteria: Invitae Variant Classification Sherloc (09022015). Collection method: clinical testing. Allele origin: germline.
Comment: This variant is not present in population databases (gnomAD no frequency). This sequence change replaces proline, which is neutral and non-polar, with serine, which is neutral and polar, at codon 400 of the A2ML1 protein (p.Pro400Ser). This variant has not been reported in the literature in individuals affected with A2ML1-related conditions. In summary, the available evidence is currently insufficient to determine the role of this variant in disease. Therefore, it has been classified as a Variant of Uncertain Significance. Algorithms developed to predict the effect of missense changes on protein structure and function output the following: SIFT: "Not Available"; PolyPhen-2: "Benign"; Align-GVGD: "Not Available". The serine amino acid residue is found in multiple mammalian species, which suggests that this missense change does not adversely affect protein function. ClinVar contains an entry for this variant (Variation ID: 1435632).